The following is an entry in ClinVar:

NM_052867.4(NALCN):c.2084C>T (p.Ser695Leu)

Gene: NALCN (sodium leak channel, non-selective; minus strand). Cytogenetic location: 13q33.1.
Variant type: single nucleotide variant.
Coding change: c.2084C>T on transcript NM_052867.4 (MANE Select); coding-DNA position 2084, C replaced by T.
Protein change: p.Ser695Leu; replaces serine 695 with leucine.
Molecular consequence: missense variant.
Genome position (GRCh38, 1-based): chr13:101,143,114, G>A on the plus strand (C>T on the coding strand, the complement: NALCN is on the minus strand). VCF-style: chr13-101143114-G-A. GRCh37 (hg19) VCF-style: chr13-101795465-G-A.
Other names: c.2084C>T, p.Ser695Leu (NM_001350748.2, NM_001350749.2); c.1997C>T, p.Ser666Leu (NM_001350750.2, NM_001350751.2); short protein forms S666L, S695L.
Identifiers: ClinVar variation 3339778 (VCV003339778.1).

ClinVar aggregate classification (germline): Uncertain significance (1 of 4 stars; one submission).

Submission:

Women's Health and Genetics/Laboratory Corporation of America, LabCorp
Classification: Uncertain significance. Last evaluated: 2024-06-03. Review status: criteria provided, single submitter. Criteria: LabCorp Variant Classification Summary - May 2015. Collection method: clinical testing. Allele origin: germline.
Comment: Variant summary: NALCN c.2084C>T (p.Ser695Leu) results in a non-conservative amino acid change in the encoded protein sequence. Four of five in-silico tools predict a damaging effect of the variant on protein function. The variant was absent in 251456 control chromosomes. The available data on variant occurrences in the general population are insufficient to allow any conclusion about variant significance. To our knowledge, no occurrence of c.2084C>T in individuals affected with Congenital Contractures Of The Limbs And Face, Hypotonia, And Developmental Delay and no experimental evidence demonstrating its impact on protein function have been reported. No submitters have cited clinical-significance assessments for this variant to ClinVar. Based on the evidence outlined above, the variant was classified as uncertain significance.